The following is an entry in ClinVar:

NM_206933.4(USH2A):c.2196A>G (p.Gly732=)

Gene: USH2A (usherin; minus strand). Cytogenetic location: 1q41.
Variant type: single nucleotide variant.
Coding change: c.2196A>G on transcript NM_206933.4 (MANE Select); coding-DNA position 2196, A replaced by G.
Protein change: p.Gly732=; no amino-acid change (glycine 732 retained).
Molecular consequence: synonymous variant.
Genome position (GRCh38, 1-based): chr1:216,247,198, T>C on the plus strand (A>G on the coding strand, the complement: USH2A is on the minus strand). VCF-style: chr1-216247198-T-C. GRCh37 (hg19) VCF-style: chr1-216420540-T-C.
Other names: c.2196A>G, p.Gly732= (NM_007123.6); c.2196A>G (NM_206933.2).
Identifiers: ClinVar variation 1153653 (VCV001153653.11), dbSNP rs747008835, ClinGen allele CA1396267.

ClinVar aggregate classification (germline): Conflicting classifications of pathogenicity. Review status: criteria provided, conflicting classifications (1 of 4 stars). 3 submissions from 3 submitters: Uncertain significance (1); Likely benign (2). Last evaluated 2026-08-27.

Conditions:
USH2A-related disorder. Also called: USH2A-related condition; USH2A-related disorders. Identifiers: MedGen CN239332.

Allele frequency attached by ClinVar (database versions not stated): gnomAD 0.00001; gnomAD exomes 0.00001 and 0.00004; TOPMed 0.00002; ExAC 0.00008.
gnomAD v4.1: 22 of 1,613,888 alleles (0.0014%); highest among the groups gnomAD compares: Non-Finnish European, 0.0016%; no homozygotes.

Submissions (3):

PreventionGenetics, part of Exact Sciences
Classification: Uncertain significance for USH2A-related condition. Last evaluated: 2026-08-27. Review status: criteria provided, single submitter. Criteria: ACMG Guidelines, 2015. Collection method: clinical testing. Allele origin: germline.
Comment: The USH2A c.2196A>G variant is not predicted to result in an amino acid change (p.=). This variant is predicted to impact splicing based on one available splicing algorithm (SpliceAI, Jaganathan et al. 2019. PubMed ID: 30661751). To our knowledge, this variant has not been reported in the literature. This variant is reported in 0.0098% of alleles in individuals of European (Non-Finnish) descent in gnomAD. At this time, the clinical significance of this variant is uncertain due to the absence of conclusive functional and genetic evidence.

Labcorp Genetics (formerly Invitae), Labcorp
Classification: Likely benign. Last evaluated: 2025-12-24. Review status: criteria provided, single submitter. Criteria: Invitae Variant Classification Sherloc (09022015). Collection method: clinical testing. Allele origin: germline.

Blueprint Genetics
Classification: Likely benign. Last evaluated: 2022-11-08. Review status: criteria provided, single submitter. Criteria: ACMG Guidelines, 2015. Collection method: clinical testing. Allele origin: germline.